The following is an entry in ClinVar:

NM_003091.4(SNRPB):c.515G>A (p.Arg172His)

Gene: SNRPB (small nuclear ribonucleoprotein polypeptides B and B1; minus strand). Cytogenetic location: 20p13.
Variant type: single nucleotide variant.
Coding change: c.515G>A on transcript NM_003091.4 (MANE Select); coding-DNA position 515, G replaced by A.
Protein change: p.Arg172His; replaces arginine 172 with histidine.
Molecular consequence: missense variant.
Genome position (GRCh38, 1-based): chr20:2,463,133, C>T on the plus strand (G>A on the coding strand, the complement: SNRPB is on the minus strand). VCF-style: chr20-2463133-C-T. GRCh37 (hg19) VCF-style: chr20-2443779-C-T.
Other names: c.515G>A, p.Arg172His (NM_198216.2); short protein forms R172H.
Identifiers: ClinVar variation 1999068 (VCV001999068.4), dbSNP rs376998028, ClinGen allele CA310846084.

ClinVar aggregate classification (germline): Uncertain significance (1 of 4 stars; one submission).

Allele frequency attached by ClinVar (database versions not stated): ESP Exome Variant Server 0.00008.

Submission:

Labcorp Genetics (formerly Invitae), Labcorp
Classification: Uncertain significance. Last evaluated: 2022-06-01. Review status: criteria provided, single submitter. Criteria: Invitae Variant Classification Sherloc (09022015). Collection method: clinical testing. Allele origin: germline.
Comment: This sequence change replaces arginine, which is basic and polar, with histidine, which is basic and polar, at codon 172 of the SNRPB protein (p.Arg172His). This variant is not present in population databases (gnomAD no frequency). This variant has not been reported in the literature in individuals affected with SNRPB-related conditions. Algorithms developed to predict the effect of missense changes on protein structure and function are either unavailable or do not agree on the potential impact of this missense change (SIFT: "Deleterious"; PolyPhen-2: "Not Available"; Align-GVGD: "Class C0"). In summary, the available evidence is currently insufficient to determine the role of this variant in disease. Therefore, it has been classified as a Variant of Uncertain Significance.